The following is an entry in ClinVar:

NM_000090.4(COL3A1):c.2553+5G>T

Gene: COL3A1 (collagen type III alpha 1 chain; plus strand). Cytogenetic location: 2q32.2.
Variant type: single nucleotide variant.
Coding change: c.2553+5G>T on transcript NM_000090.4 (MANE Select); 5 bases into the intron after coding-DNA position 2553, G replaced by T.
Molecular consequence: intron variant.
Genome position (GRCh38, 1-based): chr2:189,003,067, G>T. VCF-style: chr2-189003067-G-T. GRCh37 (hg19) VCF-style: chr2-189867793-G-T.
Other names: IVS37DS, G-T, +5.
Identifiers: ClinVar variation 17206 (VCV000017206.6), dbSNP rs397509371, ClinGen allele CA005487.

ClinVar aggregate classification (germline): Likely pathogenic. Review status: criteria provided, single submitter (1 of 4 stars). 2 submissions from 2 submitters: Likely pathogenic (1). 1 of the submissions does not count toward it. Last evaluated 2022-07-26.

Conditions:
Ehlers-Danlos syndrome, type 4 (EDSVASC). Also called: Ehlers-Danlos syndrome vascular type; Ehlers Danlos syndrome, ecchymotic type; Ehlers Danlos syndrome, arterial type; Ehlers Danlos syndrome, Sack-Barabas type; Ehlers-Danlos Syndrome Type IV. Identifiers: Orphanet 286, MedGen C0268338, MONDO:0017314, OMIM 130050.

Submissions (2):

Labcorp Genetics (formerly Invitae), Labcorp
Classification: Likely pathogenic for Ehlers-Danlos syndrome, type 4. Last evaluated: 2022-07-26. Review status: criteria provided, single submitter. Criteria: Invitae Variant Classification Sherloc (09022015). Collection method: clinical testing. Allele origin: germline.
Comment: This sequence change falls in intron 36 of the COL3A1 gene. It does not directly change the encoded amino acid sequence of the COL3A1 protein. RNA analysis indicates that this variant induces altered splicing and likely results in a shortened protein product. This variant is not present in population databases (gnomAD no frequency). This variant has been observed in individual(s) with Ehlers-Danlos syndrome (PMID: 8477261). It has also been observed to segregate with disease in related individuals. This variant is also known as G+5 to T in intron 37. ClinVar contains an entry for this variant (Variation ID: 17206). Variants that disrupt the consensus splice site are a relatively common cause of aberrant splicing (PMID: 17576681, 9536098). Studies have shown that this variant results in skipping of exon 36 (also known as exon 37), but is expected to preserve the integrity of the reading-frame (PMID: 8477261). In summary, the currently available evidence indicates that the variant is pathogenic, but additional data are needed to prove that conclusively. Therefore, this variant has been classified as Likely Pathogenic.

OMIM
Classification: Pathogenic for EHLERS-DANLOS SYNDROME, VASCULAR TYPE. Last evaluated: 1993-01-01. Review status: no assertion criteria provided. Collection method: literature only. Allele origin: germline. Not counted in ClinVar's aggregate classification.

Literature cited by the submitters: PubMed 8477261 (cited by Labcorp Genetics (formerly Invitae), Labcorp and OMIM); PubMed 17576681 (cited by Labcorp Genetics (formerly Invitae), Labcorp); PubMed 9536098 (cited by Labcorp Genetics (formerly Invitae), Labcorp).